The following is an entry in ClinVar:

ClinVar aggregate classification (germline): Conflicting classifications of pathogenicity. Review status: criteria provided, conflicting classifications (1 of 4 stars). 2 submissions from 2 submitters: Likely pathogenic (1); Uncertain significance (1). Last evaluated 2024-03-29.

Conditions:
Isolated GnRH Deficiency.
Hypogonadotropic hypogonadism 7 with or without anosmia (HH7). Also called: HYPOGONADOTROPIC HYPOGONADISM 7 WITHOUT ANOSMIA; GNRHR-Related GnRH Deficiency. Identifiers: Orphanet 432, MedGen C0342384, MONDO:0007794, OMIM 146110.

Allele frequency attached by ClinVar (database versions not stated): gnomAD 0.00006; TOPMed 0.00008; gnomAD exomes 0.00013 and 0.00014; ExAC 0.00018.

Submissions (2):

Genomic Medicine Center of Excellence, King Faisal Specialist Hospital and Research Centre
Classification: Uncertain significance for Hypogonadotropic hypogonadism 7 with or without anosmia. Last evaluated: 2024-03-29. Review status: criteria provided, single submitter. Criteria: ACMG Guidelines, 2015. Collection method: clinical testing. Allele origin: germline.

Illumina Laboratory Services, Illumina
Classification: Likely pathogenic for Isolated GnRH Deficiency. Last evaluated: 2016-06-14. Review status: criteria provided, single submitter. Criteria: ICSL Variant Classification 20161018. Collection method: clinical testing. Allele origin: germline.
Comment: The c.31C>A (p.Gln11Lys) variant has been reported as part of a complex allele with the c.30T>A (p.Asn10Lys) variant, p.[Asn10Lys;Gln11Lys], in cis in six studies in which the complex allele is found in trans with a missense variant in a compound heterozygous state in at least eight isolated GnRH deficiency patients (Costa et al. 2001; Meysing et al. 2004; Gianetti et al. 2012; Benduzzi et al. 2012; Abel et al. 2013; Benduzzi et al. 2014). The p.[Asn10Lys;Gln11Lys] complex allele has also been reported in a heterozygous state in at least four unaffected family members (Meysing et al. 2004; Gianetti et al. 2012; Benduzzi et al. 2012). The c.31C>A (p.Gln11Lys) variant has also been reported in two individuals who also carry two other missense variants whose genotype was not provided (Sykiotis et al. 2010; Miraoui et al. 2013). The p.Asn10Lys variant has also been reported in one study in which it was found in a compound heterozygous state with the p.Gln11Lys variant in two individuals (Gurbuz et al. 2012). The complex allele has been reported to be absent from 552 controls (Gianetti et al. 2012; Benduzzi et al. 2012), and each individual variant of the complex allele is reported at a frequency of 0.00029 in the European (Non-Finnish) population of the Exome Aggregation Consortium. Functional studies in COS-7 cells demonstrated that the p.[Asn10Lys;Gln11Lys] allele resulted in reduced cell surface expression, reduced efficacy of coupling of GnRHR to intracellular signaling pathways, and significantly reduced ligand binding (Meysing et al. 2004). The presence of a double allele complicates the classification of any individual variant. Based on the evidence, the p.[Asn10Lys;Gln11Lys] allele is classified as likely pathogenic for isolated GnRH deficiency while the single c.31C>A (p.Gln11Lys) variant when found alone is classified as a variant of unknown significance for isolated GnRH deficiency.

Literature cited by the submitters: PubMed 17161329 (cited by Illumina Laboratory Services, Illumina); PubMed 20696889 (cited by Illumina Laboratory Services, Illumina); PubMed 22745237 (cited by Illumina Laboratory Services, Illumina); PubMed 23341491 (cited by Illumina Laboratory Services, Illumina); PubMed 23643382 (cited by Illumina Laboratory Services, Illumina); PubMed 25016926 (cited by Illumina Laboratory Services, Illumina); PubMed 11397871 (cited by Illumina Laboratory Services, Illumina); PubMed 15240592 (cited by Illumina Laboratory Services, Illumina); PubMed 23295295 (cited by Illumina Laboratory Services, Illumina); PubMed 22766261 (cited by Illumina Laboratory Services, Illumina); PubMed 20389088 (cited by Illumina Laboratory Services, Illumina).

NM_000406.3(GNRHR):c.31C>A (p.Gln11Lys)

Gene: GNRHR (gonadotropin releasing hormone receptor; minus strand). Cytogenetic location: 4q13.2.
Variant type: single nucleotide variant.
Coding change: c.31C>A on transcript NM_000406.3 (MANE Select); coding-DNA position 31, C replaced by A.
Protein change: p.Gln11Lys; replaces glutamine 11 with lysine.
Molecular consequence: missense variant.
Genome position (GRCh38, 1-based): chr4:67,754,305, G>T on the plus strand (C>A on the coding strand, the complement: GNRHR is on the minus strand). VCF-style: chr4-67754305-G-T. GRCh37 (hg19) VCF-style: chr4-68620023-G-T.
Other names: c.31C>A, p.Gln11Lys (NM_001012763.2); short protein forms Q11K.
Identifiers: ClinVar variation 349458 (VCV000349458.6), dbSNP rs776834867, ClinGen allele CA2939012.